The following is an entry in ClinVar:

ClinVar aggregate classification (germline): Uncertain significance (1 of 4 stars; one submission).

Submission:

GeneDx
Classification: Uncertain significance. Last evaluated: 2023-04-13. Review status: criteria provided, single submitter. Criteria: GeneDx Variant Classification Process June 2021. Collection method: clinical testing. Allele origin: germline. Affected: yes.
Comment: Not observed at significant frequency in large population cohorts (gnomAD); Frameshift variant predicted to result in protein truncation or nonsense mediated decay in a gene for which loss of function is a known mechanism of disease; Has not been previously published as pathogenic or benign to our knowledge

NM_004958.4(MTOR):c.2782_2788delinsATT (p.Asp928fs)

Gene: MTOR (mechanistic target of rapamycin kinase; minus strand). Cytogenetic location: 1p36.22.
Variant type: Indel.
Coding change: c.2782_2788delinsATT on transcript NM_004958.4 (MANE Select); coding-DNA positions 2782 to 2788, GACTATA replaced by ATT.
Protein change: p.Asp928fs; shifts the reading frame from aspartic acid 928.
Molecular consequence: frameshift variant.
Genome position (GRCh38, 1-based): chr1:11,228,910-11,228,916, TATAGTC replaced by AAT on the plus strand (GACTATA replaced by ATT on the coding strand, the reverse complement: MTOR is on the minus strand). VCF-style: chr1-11228910-TATAGTC-AAT. GRCh37 (hg19) VCF-style: chr1-11288967-TATAGTC-AAT.
Other names: c.2782_2788delinsATT, p.Asp928fs (NM_001386500.1); c.1534_1540delinsATT, p.Asp512fs (NM_001386501.1); c.2782_2788delGACTATAinsATT, p.Asp928Ilefs (NM_004958.3); short protein forms D512fs, D928fs.
Identifiers: ClinVar variation 3343117 (VCV003343117.1).